The following is an entry in ClinVar:

NM_001127208.3(TET2):c.2646C>A (p.Cys882Ter)

Genes: TET2 (tet methylcytosine dioxygenase 2; plus strand), TET2-AS1 (TET2 antisense RNA 1; minus strand). Cytogenetic location: 4q24.
Variant type: single nucleotide variant.
Coding change: c.2646C>A on transcript NM_001127208.3 (MANE Select); coding-DNA position 2646, C replaced by A.
Protein change: p.Cys882Ter; replaces cysteine 882 with a stop codon.
Molecular consequence: nonsense.
Genome position (GRCh38, 1-based): chr4:105,236,588, C>A. VCF-style: chr4-105236588-C-A. GRCh37 (hg19) VCF-style: chr4-106157745-C-A.
Other names: c.2646C>A, p.Cys882Ter (NM_017628.4); short protein forms C882*.
Identifiers: ClinVar variation 3723289 (VCV003723289.2).

ClinVar aggregate classification (germline): Pathogenic (1 of 4 stars; one submission).

gnomAD v4.1: 2 of 1,614,102 alleles (0.00012%); highest among the groups gnomAD compares: Non-Finnish European, 0.00017%; no homozygotes.

Submission:

Labcorp Genetics (formerly Invitae), Labcorp
Classification: Pathogenic. Last evaluated: 2024-10-19. Review status: criteria provided, single submitter. Criteria: Invitae Variant Classification Sherloc (09022015). Collection method: clinical testing. Allele origin: germline.
Comment: This sequence change creates a premature translational stop signal (p.Cys882*) in the TET2 gene. It is expected to result in an absent or disrupted protein product. Loss-of-function variants in TET2 are known to be pathogenic (PMID: 36066697). This variant is not present in population databases (gnomAD no frequency). This variant has not been reported in the literature in individuals affected with TET2-related conditions. For these reasons, this variant has been classified as Pathogenic.

Literature cited by the submitters: PubMed 36066697.